The following is an entry in ClinVar:

NM_000238.4(KCNH2):c.3070A>T (p.Asn1024Tyr)

Gene: KCNH2 (potassium voltage-gated channel subfamily H member 2; minus strand). Cytogenetic location: 7q36.1.
Variant type: single nucleotide variant.
Coding change: c.3070A>T on transcript NM_000238.4 (MANE Select); coding-DNA position 3070, A replaced by T.
Protein change: p.Asn1024Tyr; replaces asparagine 1024 with tyrosine.
Molecular consequence: missense variant.
Genome position (GRCh38, 1-based): chr7:150,947,410, T>A on the plus strand (A>T on the coding strand, the complement: KCNH2 is on the minus strand). VCF-style: chr7-150947410-T-A. GRCh37 (hg19) VCF-style: chr7-150644498-T-A.
Other names: c.2050A>T, p.Asn684Tyr (NM_172057.3); short protein forms N1024Y, N684Y.
Identifiers: ClinVar variation 1022039 (VCV001022039.8), dbSNP rs1800941962, ClinGen allele CA369852745.

ClinVar aggregate classification (germline): Uncertain significance (1 of 4 stars; one submission).

Conditions:
Long QT syndrome (LQTS). Identifiers: MedGen C0023976, MeSH D008133, MONDO:0002442. Disease mechanism: loss of function. Inheritance: Various modes of inheritance.

Submission:

Labcorp Genetics (formerly Invitae), Labcorp
Classification: Uncertain significance for Long QT syndrome. Last evaluated: 2024-02-16. Review status: criteria provided, single submitter. Criteria: Invitae Variant Classification Sherloc (09022015). Collection method: clinical testing. Allele origin: germline.
Comment: This sequence change replaces asparagine, which is neutral and polar, with tyrosine, which is neutral and polar, at codon 1024 of the KCNH2 protein (p.Asn1024Tyr). This variant is not present in population databases (gnomAD no frequency). This variant has not been reported in the literature in individuals affected with KCNH2-related conditions. ClinVar contains an entry for this variant (Variation ID: 1022039). An algorithm developed to predict the effect of missense changes on protein structure and function (PolyPhen-2) suggests that this variant is likely to be disruptive. In summary, the available evidence is currently insufficient to determine the role of this variant in disease. Therefore, it has been classified as a Variant of Uncertain Significance.